The following is an entry in ClinVar:

ClinVar aggregate classification (germline): Benign/Likely benign. Review status: criteria provided, multiple submitters, no conflicts (2 of 4 stars). 26 submissions from 22 submitters: Benign (11); Likely benign (12). 3 of the submissions do not count toward it. Last evaluated 2026-09-01.

Conditions:
NF1-related disorder. Also called: NF1-related condition. Identifiers: MedGen CN379171.
Hereditary cancer-predisposing syndrome. Also called: Hereditary neoplastic syndrome; Tumor predisposition; Neoplastic Syndromes, Hereditary; Hereditary Cancer Syndrome. Identifiers: Orphanet 140162, MedGen C0027672, MeSH D009386, MONDO:0015356.
Cardiovascular phenotype. Identifiers: MedGen CN230736.
Neurofibromatosis, type 1 (NF1). Also called: Peripheral type neurofibromatosis; Neurofibromatosis, type I; NEUROFIBROMATOSIS, TYPE I, SOMATIC; VON RECKLINGHAUSEN DISEASE. Identifiers: Orphanet 636, MedGen C0027831, MONDO:0018975, OMIM 162200. Disease mechanism: loss of function.
Neurofibromatosis-Noonan syndrome (NFNS). Also called: NEUROFIBROMATOSIS WITH NOONAN PHENOTYPE. Identifiers: Orphanet 638, MedGen C2931482, MONDO:0011035, OMIM 601321. Disease mechanism: loss of function.
Café-au-lait macules with pulmonary stenosis (WTSN). Also called: PULMONIC STENOSIS WITH CAFE-AU-LAIT SPOTS. Identifiers: MedGen C0553586, MONDO:0008672, OMIM 193520.
Juvenile myelomonocytic leukemia (JMML). Also called: LEUKEMIA, JUVENILE MYELOMONOCYTIC, SOMATIC. Identifiers: Orphanet 86834, MedGen C0349639, MONDO:0011908, OMIM 607785, HP:0012209.
Neurofibromatosis, familial spinal (FSNF). Identifiers: Orphanet 636, MedGen C1834235, MONDO:0008078, OMIM 162210. Disease mechanism: loss of function.

Allele frequency attached by ClinVar (database versions not stated): 1000 Genomes Project 0.00040; 1000 Genomes Project 30x 0.00047; TOPMed 0.00114; gnomAD 0.00117 and 0.00123; ExAC 0.00127; gnomAD exomes 0.00138 and 0.00209; ESP Exome Variant Server 0.00192.
gnomAD v4.1: 3,184 of 1,612,762 alleles (0.2%); highest among the groups gnomAD compares: Non-Finnish European, 0.24%; 4 homozygotes.

Submissions 1 to 19 of 26:

CeGaT Center for Human Genetics Tuebingen
Classification: Likely benign. Last evaluated: 2026-09-01. Review status: criteria provided, single submitter. Criteria: CeGaT Center For Human Genetics Tuebingen Variant Classification Criteria Version 2. Collection method: clinical testing. Allele origin: germline. Affected: yes. Observed: 30 variant alleles.
Comment: NF1: BP4, BP7, BS1

Myriad Genetics, Inc.
Classification: Benign for Neurofibromatosis, type 1. Last evaluated: 2026-05-15. Review status: criteria provided, single submitter. Criteria: Myriad Autosomal Dominant, Autosomal Recessive and X-Linked Classification Criteria (2023). Collection method: clinical testing. Allele origin: unknown.
Comment: This variant is considered benign. This variant is a silent/synonymous amino acid change and it is not expected to impact splicing.

Labcorp Genetics (formerly Invitae), Labcorp
Classification: Benign for Neurofibromatosis, type 1. Last evaluated: 2026-02-03. Review status: criteria provided, single submitter. Criteria: Invitae Variant Classification Sherloc (09022015). Collection method: clinical testing. Allele origin: germline.

Quest Diagnostics Nichols Institute San Juan Capistrano
Classification: Benign. Last evaluated: 2025-10-31. Review status: criteria provided, single submitter. Criteria: Quest Diagnostics criteria. Collection method: clinical testing. Allele origin: unknown.

ARUP Laboratories, Molecular Genetics and Genomics, ARUP Laboratories
Classification: Benign. Last evaluated: 2025-05-14. Review status: criteria provided, single submitter. Criteria: ARUP Molecular Germline Variant Investigation Process 2024. Collection method: clinical testing. Allele origin: germline.

Blueprint Genetics
Classification: Likely benign. Last evaluated: 2024-11-13. Review status: criteria provided, single submitter. Criteria: ACMG Guidelines, 2015. Collection method: clinical testing. Allele origin: germline.

Johns Hopkins Genomics, Johns Hopkins University
Classification: Benign for Neurofibromatosis, type 1. Last evaluated: 2024-05-23. Review status: criteria provided, single submitter. Criteria: ACMG Guidelines, 2015. Collection method: clinical testing. Allele origin: germline.
Comment: BS1, BS2

Mayo Clinic Laboratories, Mayo Clinic
Classification: Likely benign. Last evaluated: 2023-08-29. Review status: criteria provided, single submitter. Criteria: ACMG Guidelines, 2015. Collection method: clinical testing. Allele origin: germline. Observed: 3 variant alleles.
Comment: BS1, BP4, BP7

Department of Pathology and Laboratory Medicine, Sinai Health System
Classification: Likely benign for Neurofibromatosis, type 1. Last evaluated: 2023-07-25. Review status: criteria provided, single submitter. Criteria: ACMG Guidelines, 2015. Collection method: clinical testing. Allele origin: germline. Affected: yes.

Fulgent Genetics
Classification: Likely benign for Neurofibromatosis, type 1; Neurofibromatosis, familial spinal; Café-au-lait macules with pulmonary stenosis; Neurofibromatosis-Noonan syndrome; Juvenile myelomonocytic leukemia. Last evaluated: 2022-04-11. Review status: criteria provided, single submitter. Criteria: ACMG Guidelines, 2015. Collection method: clinical testing. Allele origin: unknown.

Genome-Nilou Lab
Classification: Benign for Neurofibromatosis, type 1. Last evaluated: 2022-03-15. Review status: criteria provided, single submitter. Criteria: ACMG Guidelines, 2015. Collection method: clinical testing. Allele origin: germline. Affected: no.

GeneDx
Classification: Likely benign. Last evaluated: 2021-06-20. Review status: criteria provided, single submitter. Criteria: GeneDx Variant Classification Process June 2021. Collection method: clinical testing. Allele origin: germline. Affected: yes.
Comment: This variant is associated with the following publications: (PMID: 15060124, 16944272)

Sema4
Classification: Benign for Hereditary cancer-predisposing syndrome. Last evaluated: 2020-10-07. Review status: criteria provided, single submitter. Criteria: Sema4 Curation Guidelines. Collection method: curation. Allele origin: germline.

Genetic Services Laboratory, University of Chicago
Classification: Benign. Last evaluated: 2020-01-09. Review status: criteria provided, single submitter. Criteria: ACMG Guidelines, 2015. Collection method: clinical testing. Allele origin: germline. Affected: no.

Ambry Genetics
Classification: Likely benign for Cardiovascular phenotype; Hereditary cancer-predisposing syndrome. Last evaluated: 2019-05-08. Review status: criteria provided, single submitter. Criteria: Ambry Variant Classification Scheme 2023. Collection method: clinical testing. Allele origin: germline.

Women's Health and Genetics/Laboratory Corporation of America, LabCorp
Classification: Benign. Last evaluated: 2018-09-07. Review status: criteria provided, single submitter. Criteria: LabCorp Variant Classification Summary - May 2015. Collection method: clinical testing. Allele origin: germline.
Comment: Variant summary: NF1 c.1810T>C alters a conserved nucleotide resulting in a synonymous change. 5/5 computational tools predict no significant impact on normal splicing. However, these predictions have yet to be confirmed by functional studies. The variant allele was found at a frequency of 0.0013 in 276866 control chromosomes, predominantly at a frequency of 0.006 within the Ashkenazi Jewish subpopulation in the gnomAD database. The observed variant frequency within Ashkenazi Jewish control individuals in the gnomAD database is approximately 29 fold of the estimated maximal expected allele frequency for a pathogenic variant in NF1 causing Neurofibromatosis Type 1 phenotype (0.00021), strongly suggesting that the variant is a benign polymorphism found primarily in populations of Ashkenazi Jewish origin. c.1810T>C has been reported in the literature in an individual affected with Neurofibromatosis Type 1 (Griffiths_2006). This report does not provide an unequivocal conclusion about association of the variant with Neurofibromatosis Type 1. Co-occurrences with other pathogenic variant(s) have been reported (NF1 c.2433_2456del22), providing supporting evidence for a benign role. To our knowledge, no experimental evidence demonstrating an impact on protein function has been reported. Seven ClinVar submissions from other clinical diagnostic laboratories (evaluation after 2014) cites the variant as benign/likely benign (6x) and once as uncertain significance. Based on the evidence outlined above, the variant was classified as benign.

Illumina Laboratory Services, Illumina
Classification: Likely benign for Neurofibromatosis, type 1. Last evaluated: 2018-01-13. Review status: criteria provided, single submitter. Criteria: ICSL Variant Classification Criteria 13 December 2019. Collection method: clinical testing. Allele origin: germline.
Comment: This variant was observed in the ICSL laboratory as part of a predisposition screen in an ostensibly healthy population. It had not been previously curated by ICSL or reported in the Human Gene Mutation Database (HGMD: prior to June 1st, 2018), and was therefore a candidate for classification through an automated scoring system. Utilizing variant allele frequency, disease prevalence and penetrance estimates, and inheritance mode, an automated score was calculated to assess if this variant is too frequent to cause the disease. Based on the score and internal cut-off values, a variant classified as likely benign is not then subjected to further curation. The score for this variant resulted in a classification of likely benign for this disease.

Illumina Laboratory Services, Illumina
Classification: Likely benign for Café-au-lait macules with pulmonary stenosis. Last evaluated: 2018-01-13. Review status: criteria provided, single submitter. Criteria: ICSL Variant Classification Criteria 13 December 2019. Collection method: clinical testing. Allele origin: germline.
Comment: the same text as in the submission from Illumina Laboratory Services, Illumina above.

Illumina Laboratory Services, Illumina
Classification: Likely benign for Neurofibromatosis, familial spinal. Last evaluated: 2018-01-13. Review status: criteria provided, single submitter. Criteria: ICSL Variant Classification Criteria 13 December 2019. Collection method: clinical testing. Allele origin: germline.
Comment: the same text as in the submission from Illumina Laboratory Services, Illumina above.

NM_001042492.3(NF1):c.1810T>C (p.Leu604=)

Gene: NF1 (neurofibromin 1; plus strand). Cytogenetic location: 17q11.2.
Variant type: single nucleotide variant.
Coding change: c.1810T>C on transcript NM_001042492.3 (MANE Select); coding-DNA position 1810, T replaced by C.
Protein change: p.Leu604=; no amino-acid change (leucine 604 retained).
Molecular consequence: synonymous variant.
Genome position (GRCh38, 1-based): chr17:31,223,532, T>C. VCF-style: chr17-31223532-T-C. GRCh37 (hg19) VCF-style: chr17-29550550-T-C.
Other names: p.Leu604=; c.1810T>C, p.Leu604= (NM_000267.4).
Identifiers: ClinVar variation 184133 (VCV000184133.78), dbSNP rs142712751, ClinGen allele CA187915.
Genomic context (GRCh38, chr17:31,223,532, plus strand): 5'-AAATTAACTAGTCATCAAATGCTTAGTAGCACAGAAATTCTCAAGTGGTTGCGGGAAATA[T>C]TGATCTGCAGGAATAAATTTCTTCTTAAAAATAAGGTAAGCAAAATGACATATTTAAAAA-3'
Protein context (NP_001035957.1, residues 594-614): TEILKWLREI[Leu604=]ICRNKFLLKN